The following is an entry in ClinVar:

ClinVar aggregate classification (germline): Likely pathogenic (1 of 4 stars; one submission).

Conditions:
CHARGE syndrome (CHARGE). Also called: Hittner Hirsch Kreh syndrome; CHARGE ASSOCIATION--COLOBOMA, HEART ANOMALY, CHOANAL ATRESIA, RETARDATION, GENITAL AND EAR ANOMALIES; Coloboma, heart anomaly, choanal atresia, retardation, genital and ear anomalies; CHARGE association; Hall-Hittner syndrome. Identifiers: Orphanet 138, MedGen C0265354, MONDO:0008965.

Submission:

Labcorp Genetics (formerly Invitae), Labcorp
Classification: Likely pathogenic for CHARGE syndrome. Last evaluated: 2022-09-06. Review status: criteria provided, single submitter. Criteria: Invitae Variant Classification Sherloc (09022015). Collection method: clinical testing. Allele origin: germline.
Comment: ClinVar contains an entry for this variant (Variation ID: 839301). This sequence change falls in intron 29 of the CHD7 gene. It does not directly change the encoded amino acid sequence of the CHD7 protein. It affects a nucleotide within the consensus splice site. This variant is not present in population databases (gnomAD no frequency). This variant has been observed in individual(s) with CHD7-related conditions (Invitae). In at least one individual the variant was observed to be de novo. Variants that disrupt the consensus splice site are a relatively common cause of aberrant splicing (PMID: 17576681, 9536098). Algorithms developed to predict the effect of sequence changes on RNA splicing suggest that this variant may disrupt the consensus splice site. In summary, the currently available evidence indicates that the variant is pathogenic, but additional data are needed to prove that conclusively. Therefore, this variant has been classified as Likely Pathogenic.

Literature cited by the submitters: PubMed 17576681; PubMed 9536098.

NM_017780.4(CHD7):c.5894+5G>A

Gene: CHD7 (chromodomain helicase DNA binding protein 7; plus strand). Cytogenetic location: 8q12.2.
Variant type: single nucleotide variant.
Coding change: c.5894+5G>A on transcript NM_017780.4 (MANE Select); 5 bases into the intron after coding-DNA position 5894, G replaced by A.
Molecular consequence: intron variant.
Genome position (GRCh38, 1-based): chr8:60,852,252, G>A. VCF-style: chr8-60852252-G-A. GRCh37 (hg19) VCF-style: chr8-61764811-G-A.
Other names: c.1717-9977G>A (NM_001316690.1).
Identifiers: ClinVar variation 839301 (VCV000839301.9), dbSNP rs1805486327, ClinGen allele CA916080394.